The following is an entry in ClinVar:

ClinVar aggregate classification (germline): Benign (1 of 4 stars; one submission).

Allele frequency attached by ClinVar (database versions not stated): gnomAD exomes 0.00260; 1000 Genomes Project 0.02077; gnomAD 0.02203 and 0.02345; 1000 Genomes Project 30x 0.02311; TOPMed 0.02538.
gnomAD v4.1: 5,082 of 788,818 alleles (0.64%); highest among the groups gnomAD compares: African/African-American, 7.5%; 160 homozygotes.

Submission:

GeneDx
Classification: Benign. Last evaluated: 2018-06-14. Review status: criteria provided, single submitter. Criteria: GeneDx Variant Classification (06012015). Collection method: clinical testing. Allele origin: germline. Affected: yes.
Comment: This variant is considered likely benign or benign based on one or more of the following criteria: it is a conservative change, it occurs at a poorly conserved position in the protein, it is predicted to be benign by multiple in silico algorithms, and/or has population frequency not consistent with disease.

NM_182961.4(SYNE1):c.7712+148A>G

Gene: SYNE1 (spectrin repeat containing nuclear envelope protein 1; minus strand). Cytogenetic location: 6q25.2.
Variant type: single nucleotide variant.
Coding change: c.7712+148A>G on transcript NM_182961.4 (MANE Select); 148 bases into the intron after coding-DNA position 7712, A replaced by G.
Molecular consequence: intron variant.
Genome position (GRCh38, 1-based): chr6:152,395,368, T>C on the plus strand (A>G on the coding strand, the complement: SYNE1 is on the minus strand). VCF-style: chr6-152395368-T-C. GRCh37 (hg19) VCF-style: chr6-152716503-T-C.
Other names: c.7733+148A>G (NM_033071.5).
Identifiers: ClinVar variation 673147 (VCV000673147.1), dbSNP rs75387096, ClinGen allele CA150193815.